The following is an entry in ClinVar:

ClinVar aggregate classification (germline): Uncertain significance. Review status: criteria provided, multiple submitters, no conflicts (2 of 4 stars). 2 submissions from 2 submitters: Uncertain significance (2). Last evaluated 2024-08-01.

Conditions:
Inborn genetic diseases. Identifiers: MedGen C0950123, MeSH D030342.

Allele frequency attached by ClinVar (database versions not stated): TOPMed below 0.00001; ExAC 0.00005.
gnomAD v4.1: 33 of 1,611,490 alleles (0.002%); highest among the groups gnomAD compares: South Asian, 0.036%; no homozygotes.

Submissions (2):

Labcorp Genetics (formerly Invitae), Labcorp
Classification: Uncertain significance. Last evaluated: 2024-08-01. Review status: criteria provided, single submitter. Criteria: Invitae Variant Classification Sherloc (09022015). Collection method: clinical testing. Allele origin: germline.
Comment: This sequence change replaces tyrosine, which is neutral and polar, with cysteine, which is neutral and slightly polar, at codon 310 of the ALPK1 protein (p.Tyr310Cys). This variant is present in population databases (rs756387088, gnomAD 0.03%). This variant has not been reported in the literature in individuals affected with ALPK1-related conditions. Advanced modeling of protein sequence and biophysical properties (such as structural, functional, and spatial information, amino acid conservation, physicochemical variation, residue mobility, and thermodynamic stability) performed at Invitae indicates that this missense variant is expected to disrupt ALPK1 protein function with a positive predictive value of 80%. In summary, the available evidence is currently insufficient to determine the role of this variant in disease. Therefore, it has been classified as a Variant of Uncertain Significance.

Ambry Genetics
Classification: Uncertain significance for Inborn genetic diseases. Last evaluated: 2024-05-24. Review status: criteria provided, single submitter. Criteria: Ambry Variant Classification Scheme 2023. Collection method: clinical testing. Allele origin: germline.

NM_025144.4(ALPK1):c.929A>G (p.Tyr310Cys)

Gene: ALPK1 (alpha kinase 1; plus strand). Cytogenetic location: 4q25.
Variant type: single nucleotide variant.
Coding change: c.929A>G on transcript NM_025144.4 (MANE Select); coding-DNA position 929, A replaced by G.
Protein change: p.Tyr310Cys; replaces tyrosine 310 with cysteine.
Molecular consequence: missense variant.
Genome position (GRCh38, 1-based): chr4:112,430,476, A>G. VCF-style: chr4-112430476-A-G. GRCh37 (hg19) VCF-style: chr4-113351632-A-G.
Other names: c.929A>G, p.Tyr310Cys (NM_001102406.2); c.695A>G, p.Tyr232Cys (NM_001253884.2); c.929A>G (NM_025144.3); short protein forms Y232C, Y310C.
Identifiers: ClinVar variation 3002308 (VCV003002308.4), dbSNP rs756387088, ClinGen allele CA3046630.